The following is an entry in ClinVar:

NM_001379291.1(BRD4):c.1688G>A (p.Ser563Asn)

Gene: BRD4 (bromodomain containing 4; minus strand). Cytogenetic location: 19p13.12.
Variant type: single nucleotide variant.
Coding change: c.1688G>A on transcript NM_001379291.1 (MANE Select); coding-DNA position 1688, G replaced by A.
Protein change: p.Ser563Asn; replaces serine 563 with asparagine.
Molecular consequence: missense variant.
Genome position (GRCh38, 1-based): chr19:15,256,127, C>T on the plus strand (G>A on the coding strand, the complement: BRD4 is on the minus strand). VCF-style: chr19-15256127-C-T. GRCh37 (hg19) VCF-style: chr19-15366938-C-T.
Other names: c.1688G>A (NM_058243.2); c.1688G>A, p.Ser563Asn (NM_001330384.2, NM_001379292.1, NM_014299.3 and 1 more transcripts); short protein forms S563N.
Identifiers: ClinVar variation 2058463 (VCV002058463.6), dbSNP rs55970906, ClinGen allele CA9265309.

ClinVar aggregate classification (germline): Benign. Review status: criteria provided, single submitter (1 of 4 stars). 2 submissions from 2 submitters: Benign (1). 1 of the submissions does not count toward it. Last evaluated 2025-11-03.

Conditions:
BRD4-related disorder. Also called: BRD4-related condition.

Allele frequency attached by ClinVar (database versions not stated): gnomAD exomes 0.00021; TOPMed 0.00039; gnomAD 0.00054; ExAC 0.00086; 1000 Genomes Project 30x 0.00437; 1000 Genomes Project 0.00439.
gnomAD v4.1: 436 of 1,611,782 alleles (0.027%); highest among the groups gnomAD compares: East Asian, 0.76%; 3 homozygotes.

Submissions (2):

Labcorp Genetics (formerly Invitae), Labcorp
Classification: Benign. Last evaluated: 2025-11-03. Review status: criteria provided, single submitter. Criteria: Invitae Variant Classification Sherloc (09022015). Collection method: clinical testing. Allele origin: germline.

PreventionGenetics, part of Exact Sciences
Classification: Benign for BRD4-related condition. Last evaluated: 2019-05-24. Review status: no assertion criteria provided. Collection method: clinical testing. Allele origin: germline. Not counted in ClinVar's aggregate classification.
Comment: This variant is classified as benign based on ACMG/AMP sequence variant interpretation guidelines (Richards et al. 2015 PMID: 25741868, with internal and published modifications).